The following is an entry in ClinVar:

NM_001365276.2(TNXB):c.4997G>A (p.Arg1666Gln)

Gene: TNXB (tenascin XB; minus strand). Cytogenetic location: 6p21.33.
Variant type: single nucleotide variant.
Coding change: c.4997G>A on transcript NM_001365276.2 (MANE Select); coding-DNA position 4997, G replaced by A.
Protein change: p.Arg1666Gln; replaces arginine 1666 with glutamine.
Molecular consequence: missense variant.
Genome position (GRCh38, 1-based): chr6:32,070,408, C>T on the plus strand (G>A on the coding strand, the complement: TNXB is on the minus strand). VCF-style: chr6-32070408-C-T. GRCh37 (hg19) VCF-style: chr6-32038185-C-T.
Other names: p.Arg1666Gln; c.4997G>A, p.Arg1666Gln (NM_019105.8); short protein forms R1666Q.
Identifiers: ClinVar variation 1744622 (VCV001744622.4), dbSNP rs560985106, ClinGen allele CA3734816.
Genomic context (GRCh38, chr6:32,070,408, plus strand): 5'-GTGGGGTCTGTCACCCACAGCTCCCCAAGGCGGGGTGGGGCCCCTGGGCTGGCGTCACCT[C>T]GGGCAACTGGAGAGGAAAGGTTCTTGTGTTTATTTTTTCCAAAACGACTCCTTGACTGCC-3'
Protein context (NP_001352205.1, residues 1656-1676): PVSVEAKTVA[Arg1666Gln]GDASPGAPPR

ClinVar aggregate classification (germline): Uncertain significance. Review status: criteria provided, multiple submitters, no conflicts (2 of 4 stars). 2 submissions from 2 submitters: Uncertain significance (2). Last evaluated 2025-09-19.

Conditions:
Cardiovascular phenotype. Identifiers: MedGen CN230736.

Allele frequency attached by ClinVar (database versions not stated): 1000 Genomes Project 0.00040; 1000 Genomes Project 30x 0.00031.
gnomAD v4.1: 30 of 1,587,638 alleles (0.0019%); highest among the groups gnomAD compares: Admixed American, 0.026%; 1 homozygote.

Submissions (2):

Mayo Clinic Laboratories, Mayo Clinic
Classification: Uncertain significance. Last evaluated: 2025-09-19. Review status: criteria provided, single submitter. Criteria: ACMG Guidelines, 2015. Collection method: clinical testing. Allele origin: germline. Observed: 1 variant allele.
Comment: BP4_strong, PM2_supporting

Ambry Genetics
Classification: Uncertain significance for Cardiovascular phenotype. Last evaluated: 2024-04-23. Review status: criteria provided, single submitter. Criteria: Ambry Variant Classification Scheme 2023. Collection method: clinical testing. Allele origin: germline.
Comment: The p.R1666Q variant (also known as c.4997G>A), located in coding exon 13 of the TNXB gene, results from a G to A substitution at nucleotide position 4997. The arginine at codon 1666 is replaced by glutamine, an amino acid with highly similar properties. This amino acid position is conserved. In addition, this alteration is predicted to be tolerated by in silico analysis. Since supporting evidence is limited at this time, the clinical significance of this alteration remains unclear.